The following is an entry in ClinVar:

ClinVar aggregate classification (germline): Benign/Likely benign. Review status: criteria provided, multiple submitters, no conflicts (2 of 4 stars). 9 submissions from 6 submitters: Benign (5); Likely benign (4). Last evaluated 2026-01-04.

Conditions:
TTN-related disorder. Also called: TTN-related disorders; TTN-related condition; TTN-related disease.
Cardiovascular phenotype. Identifiers: MedGen CN230736.
Dilated cardiomyopathy 1G (CMD1G). Identifiers: Orphanet 154, MedGen C1858763, MONDO:0011400, OMIM 604145.
Autosomal recessive limb-girdle muscular dystrophy type 2J (LGMDR10). Also called: Limb-girdle muscular dystrophy, type 2J; MUSCULAR DYSTROPHY, LIMB-GIRDLE, AUTOSOMAL RECESSIVE 10. Identifiers: Orphanet 140922, MedGen C1837342, MONDO:0012127, OMIM 608807.
Tibial muscular dystrophy (TMD). Also called: UDD MYOPATHY; Tibial muscular dystrophy, tardive; Udd Distal Myopathy – Tibial Muscular Dystrophy. Identifiers: Orphanet 609, MedGen C1838244, MONDO:0010870, OMIM 600334.
Myopathy, myofibrillar, 9, with early respiratory failure (MFM9). Also called: Hereditary myopathy with early respiratory failure; MYOPATHY, PROXIMAL, WITH EARLY RESPIRATORY MUSCLE INVOLVEMENT; Myopathy, distal, with early respiratory failure, autosomal dominant; EDSTROM MYOPATHY. Identifiers: Orphanet 178464, Orphanet 34521, MedGen C1863599, MONDO:0011362, OMIM 603689.
Early-onset myopathy with fatal cardiomyopathy (CMYO5). Also called: Salih Myopathy; CONGENITAL MYOPATHY 5 WITH CARDIOMYOPATHY. Identifiers: Orphanet 289377, MedGen C2673677, MONDO:0012714, OMIM 611705. Disease mechanism: loss of function.

Allele frequency attached by ClinVar (database versions not stated): ExAC 0.00002; gnomAD 0.00013 and 0.00012; TOPMed 0.00014; gnomAD exomes 0.00002 and 0.00007; ESP Exome Variant Server 0.00008.
gnomAD v4.1: 45 of 1,613,038 alleles (0.0028%); highest among the groups gnomAD compares: Admixed American, 0.038%; no homozygotes.

Submissions (9):

Labcorp Genetics (formerly Invitae), Labcorp
Classification: Likely benign for Dilated cardiomyopathy 1G; Autosomal recessive limb-girdle muscular dystrophy type 2J. Last evaluated: 2026-01-04. Review status: criteria provided, single submitter. Criteria: Invitae Variant Classification Sherloc (09022015). Collection method: clinical testing. Allele origin: germline.

PreventionGenetics, part of Exact Sciences
Classification: Likely benign for TTN-related condition. Last evaluated: 2025-10-27. Review status: criteria provided, single submitter. Criteria: ACMG Guidelines, 2015. Collection method: clinical testing. Allele origin: germline.
Comment: This variant is classified as likely benign based on ACMG/AMP sequence variant interpretation guidelines (Richards et al. 2015 PMID: 25741868, with internal and published modifications).

Genome-Nilou Lab
Classification: Benign for Autosomal recessive limb-girdle muscular dystrophy type 2J. Last evaluated: 2021-09-10. Review status: criteria provided, single submitter. Criteria: ACMG Guidelines, 2015. Collection method: clinical testing. Allele origin: germline. Affected: no.

Genome-Nilou Lab
Classification: Benign for Myopathy, myofibrillar, 9, with early respiratory failure. Last evaluated: 2021-09-10. Review status: criteria provided, single submitter. Criteria: ACMG Guidelines, 2015. Collection method: clinical testing. Allele origin: germline. Affected: no.

Genome-Nilou Lab
Classification: Benign for Early-onset myopathy with fatal cardiomyopathy. Last evaluated: 2021-09-10. Review status: criteria provided, single submitter. Criteria: ACMG Guidelines, 2015. Collection method: clinical testing. Allele origin: germline. Affected: no.

Genome-Nilou Lab
Classification: Benign for Tibial muscular dystrophy. Last evaluated: 2021-09-10. Review status: criteria provided, single submitter. Criteria: ACMG Guidelines, 2015. Collection method: clinical testing. Allele origin: germline. Affected: no.

Ambry Genetics
Classification: Likely benign for Cardiovascular phenotype. Last evaluated: 2019-12-19. Review status: criteria provided, single submitter. Criteria: Ambry Variant Classification Scheme 2023. Collection method: clinical testing. Allele origin: germline.

GeneDx
Classification: Benign. Last evaluated: 2014-03-26. Review status: criteria provided, single submitter. Criteria: GeneDx Variant Classification (06012015). Collection method: clinical testing. Allele origin: germline. Affected: yes.
Comment: This variant is considered likely benign or benign based on one or more of the following criteria: it is a conservative change, it occurs at a poorly conserved position in the protein, it is predicted to be benign by multiple in silico algorithms, and/or has population frequency not consistent with disease.

Laboratory for Molecular Medicine, Mass General Brigham Personalized Medicine
Classification: Likely benign. Last evaluated: 2014-02-17. Review status: criteria provided, single submitter. Criteria: LMM Criteria. Collection method: clinical testing. Allele origin: germline. Observed: 1 variant allele.
Comment: Asn15154Asn in exon 226 of TTN: This variant is not expected to have clinical si gnificance because it does not alter an amino acid residue and is not located wi thin the splice consensus sequence. It has been identified in 1/8256 European Am erican chromosomes from a broad population by the NHLBI Exome Sequencing Project. Asn15154Asn in exon 226 of TTN (allele fre quency = 1/8256) **

NM_001267550.2(TTN):c.53166C>T (p.Asn17722=)

Genes: TTN (titin; minus strand), TTN-AS1 (TTN antisense RNA 1; plus strand), LOC126806425 (BRD4-independent group 4 enhancer GRCh37_chr2:179471933-179473132; plus strand). Cytogenetic location: 2q31.2.
Variant type: single nucleotide variant.
Coding change: c.53166C>T on transcript NM_001267550.2 (MANE Select); coding-DNA position 53166, C replaced by T.
Protein change: p.Asn17722=; no amino-acid change (asparagine 17722 retained).
Molecular consequence: synonymous variant.
Genome position (GRCh38, 1-based): chr2:178,607,522, G>A on the plus strand (C>T on the coding strand, the complement: TTN is on the minus strand). VCF-style: chr2-178607522-G-A. GRCh37 (hg19) VCF-style: chr2-179472249-G-A.
Other names: p.N16081N:AAC>AAT; c.45462C>T, p.Asn15154= (NM_133378.4); c.26346C>T, p.Asn8782= (NM_133432.3); c.26547C>T, p.Asn8849= (NM_133437.4); c.48243C>T, p.Asn16081= (NM_001256850.1); c.25971C>T, p.Asn8657= (NM_003319.4).
Identifiers: ClinVar variation 137797 (VCV000137797.22), dbSNP rs371730757, ClinGen allele CA295539.
Genomic context (GRCh38, chr2:178,607,522, plus strand): 5'-ATATCTGCCATGGTCTTTTCGCAGTGCATCCTTGATAATTAGTTCAGATTTGGTTCCAAC[G>A]TTGTCTATTACAACACGGTCTTTATCCAGCTCCCCTTCTTCTTTGGTCCATACTTTTGTA-3'
Protein context (NP_001254479.2, residues 17712-17732): ELDKDRVVID[Asn17722=]VGTKSELIIK